The following is an entry in ClinVar:

NM_006206.6(PDGFRA):c.2788G>C (p.Val930Leu)

Gene: PDGFRA (platelet derived growth factor receptor alpha; plus strand). Cytogenetic location: 4q12.
Variant type: single nucleotide variant.
Coding change: c.2788G>C on transcript NM_006206.6 (MANE Select); coding-DNA position 2788, G replaced by C.
Protein change: p.Val930Leu; replaces valine 930 with leucine.
Molecular consequence: missense variant.
Genome position (GRCh38, 1-based): chr4:54,289,022, G>C. VCF-style: chr4-54289022-G-C. GRCh37 (hg19) VCF-style: chr4-55155189-G-C.
Other names: c.2863G>C, p.Val955Leu (NM_001347828.2); c.2788G>C, p.Val930Leu (NM_001347829.2); c.2827G>C, p.Val943Leu (NM_001347830.2); short protein forms V943L, V955L, V930L.
Identifiers: ClinVar variation 1910906 (VCV001910906.5), dbSNP rs1724498597, ClinGen allele CA356895672.

ClinVar aggregate classification (germline): Uncertain significance (1 of 4 stars; one submission).

Conditions:
Gastrointestinal stromal tumor. Also called: Gastrointestinal stromal tumor, somatic; Gastrointestinal stroma tumor. Identifiers: Orphanet 44890, MedGen C0238198, MeSH D046152, MONDO:0011719, OMIM 606764, HP:0100723.

Submission:

Labcorp Genetics (formerly Invitae), Labcorp
Classification: Uncertain significance for Gastrointestinal stromal tumor. Last evaluated: 2024-05-21. Review status: criteria provided, single submitter. Criteria: Invitae Variant Classification Sherloc (09022015). Collection method: clinical testing. Allele origin: germline.
Comment: This sequence change replaces valine, which is neutral and non-polar, with leucine, which is neutral and non-polar, at codon 930 of the PDGFRA protein (p.Val930Leu). This variant is not present in population databases (gnomAD no frequency). This variant has not been reported in the literature in individuals affected with PDGFRA-related conditions. ClinVar contains an entry for this variant (Variation ID: 1910906). Advanced modeling of protein sequence and biophysical properties (such as structural, functional, and spatial information, amino acid conservation, physicochemical variation, residue mobility, and thermodynamic stability) performed at Invitae indicates that this missense variant is not expected to disrupt PDGFRA protein function with a negative predictive value of 80%. In summary, the available evidence is currently insufficient to determine the role of this variant in disease. Therefore, it has been classified as a Variant of Uncertain Significance.